The following is an entry in ClinVar:

NM_032888.4(COL27A1):c.1567G>A (p.Val523Ile)

Gene: COL27A1 (collagen type XXVII alpha 1 chain; plus strand). Cytogenetic location: 9q32.
Variant type: single nucleotide variant.
Coding change: c.1567G>A on transcript NM_032888.4 (MANE Select); coding-DNA position 1567, G replaced by A.
Protein change: p.Val523Ile; replaces valine 523 with isoleucine.
Molecular consequence: missense variant.
Genome position (GRCh38, 1-based): chr9:114,169,122, G>A. VCF-style: chr9-114169122-G-A. GRCh37 (hg19) VCF-style: chr9-116931402-G-A.
Other names: c.1567G>A (NM_032888.2); short protein forms V523I.
Identifiers: ClinVar variation 2140255 (VCV002140255.3), dbSNP rs143993841, ClinGen allele CA5201418.

ClinVar aggregate classification (germline): Uncertain significance. Review status: criteria provided, multiple submitters, no conflicts (2 of 4 stars). 2 submissions from 2 submitters: Uncertain significance (2). Last evaluated 2025-08-27.

Conditions:
Inborn genetic diseases. Identifiers: MedGen C0950123, MeSH D030342.

Allele frequency attached by ClinVar (database versions not stated): 1000 Genomes Project 30x 0.00016; 1000 Genomes Project 0.00020; ESP Exome Variant Server 0.00038.
gnomAD v4.1: 119 of 1,614,066 alleles (0.0074%); highest among the groups gnomAD compares: South Asian, 0.023%; no homozygotes.

Submissions (2):

Ambry Genetics
Classification: Uncertain significance for Inborn genetic diseases. Last evaluated: 2025-08-27. Review status: criteria provided, single submitter. Criteria: Ambry Variant Classification Scheme 2023. Collection method: clinical testing. Allele origin: germline.

Labcorp Genetics (formerly Invitae), Labcorp
Classification: Uncertain significance. Last evaluated: 2022-03-13. Review status: criteria provided, single submitter. Criteria: Invitae Variant Classification Sherloc (09022015). Collection method: clinical testing. Allele origin: germline.
Comment: This sequence change replaces valine, which is neutral and non-polar, with isoleucine, which is neutral and non-polar, at codon 523 of the COL27A1 protein (p.Val523Ile). This variant is present in population databases (rs143993841, gnomAD 0.04%). This variant has not been reported in the literature in individuals affected with COL27A1-related conditions. Advanced modeling of protein sequence and biophysical properties (such as structural, functional, and spatial information, amino acid conservation, physicochemical variation, residue mobility, and thermodynamic stability) performed at Invitae indicates that this missense variant is not expected to disrupt COL27A1 protein function. In summary, the available evidence is currently insufficient to determine the role of this variant in disease. Therefore, it has been classified as a Variant of Uncertain Significance.